The following is an entry in ClinVar:

ClinVar aggregate classification (germline): Uncertain significance (1 of 4 stars; one submission).

Allele frequency attached by ClinVar (database versions not stated): gnomAD exomes 0.00002.
gnomAD v4.1: 20 of 1,551,104 alleles (0.0013%); highest among the groups gnomAD compares: Admixed American, 0.002%; no homozygotes.

Submission:

Labcorp Genetics (formerly Invitae), Labcorp
Classification: Uncertain significance. Last evaluated: 2021-09-24. Review status: criteria provided, single submitter. Criteria: Invitae Variant Classification Sherloc (09022015). Collection method: clinical testing. Allele origin: germline.
Comment: This sequence change replaces threonine with alanine at codon 1710 of the EYS protein (p.Thr1710Ala). The threonine residue is moderately conserved and there is a small physicochemical difference between threonine and alanine. This variant is not present in population databases (ExAC no frequency). This variant has not been reported in the literature in individuals with EYS-related conditions. Algorithms developed to predict the effect of missense changes on protein structure and function output the following: SIFT: "Tolerated"; PolyPhen-2: "Benign"; Align-GVGD: "Class C0". The alanine amino acid residue is found in multiple mammalian species, suggesting that this missense change does not adversely affect protein function. These predictions have not been confirmed by published functional studies and their clinical significance is uncertain. In summary, the available evidence is currently insufficient to determine the role of this variant in disease. Therefore, it has been classified as a Variant of Uncertain Significance.

NM_001142800.2(EYS):c.5128A>G (p.Thr1710Ala)

Gene: EYS (eyes shut homolog; minus strand). Cytogenetic location: 6q12.
Variant type: single nucleotide variant.
Coding change: c.5128A>G on transcript NM_001142800.2 (MANE Select); coding-DNA position 5128, A replaced by G.
Protein change: p.Thr1710Ala; replaces threonine 1710 with alanine.
Molecular consequence: missense variant.
Genome position (GRCh38, 1-based): chr6:64,590,739, T>C on the plus strand (A>G on the coding strand, the complement: EYS is on the minus strand). VCF-style: chr6-64590739-T-C. GRCh37 (hg19) VCF-style: chr6-65300632-T-C.
Other names: c.5128A>G, p.Thr1710Ala (NM_001292009.2); short protein forms T1710A.
Identifiers: ClinVar variation 1440364 (VCV001440364.5), dbSNP rs947358402, ClinGen allele CA140340907.